The following is an entry in ClinVar:

NM_016122.3(CEP83):c.1151A>G (p.Lys384Arg)

Gene: CEP83 (centrosomal protein 83; minus strand). Cytogenetic location: 12q22.
Variant type: single nucleotide variant.
Coding change: c.1151A>G on transcript NM_016122.3 (MANE Select); coding-DNA position 1151, A replaced by G.
Protein change: p.Lys384Arg; replaces lysine 384 with arginine.
Molecular consequence: missense variant. On other transcripts: non-coding transcript variant (1).
Genome position (GRCh38, 1-based): chr12:94,368,099, T>C on the plus strand (A>G on the coding strand, the complement: CEP83 is on the minus strand). VCF-style: chr12-94368099-T-C. GRCh37 (hg19) VCF-style: chr12-94761875-T-C.
Other names: c.1151A>G, p.Lys384Arg (NM_001042399.2, NM_001346457.2, NM_001368037.1 and 1 more transcripts); c.839A>G, p.Lys280Arg (NM_001346458.2, NM_001346459.2, NM_001368039.1 and 1 more transcripts); c.926A>G, p.Lys309Arg (NM_001368041.1); short protein forms K309R, K280R, K384R.
Identifiers: ClinVar variation 841958 (VCV000841958.11), dbSNP rs185058802, ClinGen allele CA6721739.
Genomic context (GRCh38, chr12:94,368,099, plus strand): 5'-AGGTAATTAAGTACTTACTTTTCATCTTGTAATACCACAAGTTTTTGATAACCTTCTTCT[T>C]TGGCAGCTTGTACTTTACGTATTAATTCACGATCCTTTTCTACTAAGAGCACTTTGTGAT-3'
Protein context (NP_057206.2, residues 374-394): RELIRKVQAA[Lys384Arg]EEGYQKLVVL

ClinVar aggregate classification (germline): Conflicting classifications of pathogenicity. Review status: criteria provided, conflicting classifications (1 of 4 stars). 6 submissions from 6 submitters: Uncertain significance (2); Likely benign (1). 3 of the submissions do not count toward it. Last evaluated 2026-02-01.

Conditions:
CEP83-related disorder. Also called: CEP83-related condition.
Nephronophthisis 18 (NPHP18). Identifiers: Orphanet 655, MedGen C3890591, MONDO:0014374, OMIM 615862.

Allele frequency attached by ClinVar (database versions not stated): 1000 Genomes Project 0.00040; ESP Exome Variant Server 0.00042; 1000 Genomes Project 30x 0.00047; TOPMed 0.00068; gnomAD exomes 0.00073 and 0.00088; gnomAD 0.00076 and 0.00077; ExAC 0.00082.
gnomAD v4.1: 1,378 of 1,613,562 alleles (0.085%); highest among the groups gnomAD compares: Non-Finnish European, 0.11%; no homozygotes.

Submissions (6):

Labcorp Genetics (formerly Invitae), Labcorp
Classification: Uncertain significance for Nephronophthisis 18. Last evaluated: 2026-02-01. Review status: criteria provided, single submitter. Criteria: Invitae Variant Classification Sherloc (09022015). Collection method: clinical testing. Allele origin: germline.
Comment: This sequence change replaces lysine, which is basic and polar, with arginine, which is basic and polar, at codon 384 of the CEP83 protein (p.Lys384Arg). This variant is present in population databases (rs185058802, gnomAD 0.2%), and has an allele count higher than expected for a pathogenic variant. This variant has not been reported in the literature in individuals affected with CEP83-related conditions. ClinVar contains an entry for this variant (Variation ID: 841958). Invitae Evidence Modeling of protein sequence and biophysical properties (such as structural, functional, and spatial information, amino acid conservation, physicochemical variation, residue mobility, and thermodynamic stability) indicates that this missense variant is not expected to disrupt CEP83 protein function with a negative predictive value of 80%. In summary, the available evidence is currently insufficient to determine the role of this variant in disease. Therefore, it has been classified as a Variant of Uncertain Significance.

Blueprint Genetics
Classification: Likely benign. Last evaluated: 2024-11-20. Review status: criteria provided, single submitter. Criteria: ACMG Guidelines, 2015. Collection method: clinical testing. Allele origin: germline.

GeneDx
Classification: Uncertain significance. Last evaluated: 2023-09-26. Review status: criteria provided, single submitter. Criteria: GeneDx Variant Classification Process June 2021. Collection method: clinical testing. Allele origin: germline. Affected: yes.
Comment: In silico analysis supports that this missense variant does not alter protein structure/function; Has not been previously published as pathogenic or benign to our knowledge

PreventionGenetics, part of Exact Sciences
Classification: Likely benign for CEP83-related condition. Last evaluated: 2023-09-28. Review status: no assertion criteria provided. Collection method: clinical testing. Allele origin: germline. Not counted in ClinVar's aggregate classification.
Comment: This variant is classified as likely benign based on ACMG/AMP sequence variant interpretation guidelines (Richards et al. 2015 PMID: 25741868, with internal and published modifications).

Clinical Genetics DNA and cytogenetics Diagnostics Lab, Erasmus MC, Erasmus Medical Center
Classification: Likely benign. Review status: no assertion criteria provided. Collection method: clinical testing. Allele origin: germline. Affected: yes. Study: VKGL Data-share Consensus. Not counted in ClinVar's aggregate classification.

Genome Diagnostics Laboratory, University Medical Center Utrecht
Classification: Likely benign. Review status: no assertion criteria provided. Collection method: clinical testing. Allele origin: germline. Affected: yes. Study: VKGL Data-share Consensus. Not counted in ClinVar's aggregate classification.